The following is an entry in ClinVar:

ClinVar aggregate classification (germline): Pathogenic (1 of 4 stars; one submission).

Conditions:
Glycogen storage disease, type IV (GSD4). Also called: AMYLOPECTINOSIS; ANDERSEN DISEASE; BRANCHER DEFICIENCY; CIRRHOSIS, FAMILIAL, WITH DEPOSITION OF ABNORMAL GLYCOGEN; GBE1 DEFICIENCY; GLYCOGEN BRANCHING ENZYME DEFICIENCY. Identifiers: Orphanet 367, MedGen C0017923, MONDO:0009292, OMIM 232500.

Submission:

Myriad Genetics, Inc.
Classification: Pathogenic for Glycogen storage disease, type IV. Last evaluated: 2024-07-03. Review status: criteria provided, single submitter. Criteria: Myriad Autosomal Dominant, Autosomal Recessive and X-Linked Classification Criteria (2023). Collection method: clinical testing. Allele origin: unknown.
Comment: NM_000158.3(GBE1):c.648T>G(Y216*) is expected to be pathogenic in the context of glycogen storage disease, GBE1-related. This variant is predicted to lead to an abnormal or absent protein product due to the creation of a premature termination codon in GBE1, a gene where loss-of-function variants are known to be pathogenic. Please note: this variant was assessed in the context of healthy population screening.

NM_000158.4(GBE1):c.648T>G (p.Tyr216Ter)

Gene: GBE1 (1,4-alpha-glucan branching enzyme 1; minus strand). Cytogenetic location: 3p12.2.
Variant type: single nucleotide variant.
Coding change: c.648T>G on transcript NM_000158.4 (MANE Select); coding-DNA position 648, T replaced by G.
Protein change: p.Tyr216Ter; replaces tyrosine 216 with a stop codon.
Molecular consequence: nonsense.
Genome position (GRCh38, 1-based): chr3:81,648,899, A>C on the plus strand (T>G on the coding strand, the complement: GBE1 is on the minus strand). VCF-style: chr3-81648899-A-C. GRCh37 (hg19) VCF-style: chr3-81698050-A-C.
Other names: short protein forms Y216*.
Identifiers: ClinVar variation 5013277 (VCV005013277.1).